The following is an entry in ClinVar:

NM_199355.4(ADAMTS18):c.3272T>A (p.Phe1091Tyr)

Gene: ADAMTS18 (ADAM metallopeptidase with thrombospondin type 1 motif 18; minus strand). Cytogenetic location: 16q23.1.
Variant type: single nucleotide variant.
Coding change: c.3272T>A on transcript NM_199355.4 (MANE Select); coding-DNA position 3272, T replaced by A.
Protein change: p.Phe1091Tyr; replaces phenylalanine 1091 with tyrosine.
Molecular consequence: missense variant.
Genome position (GRCh38, 1-based): chr16:77,291,396, A>T on the plus strand (T>A on the coding strand, the complement: ADAMTS18 is on the minus strand). VCF-style: chr16-77291396-A-T. GRCh37 (hg19) VCF-style: chr16-77325293-A-T.
Other names: c.2756T>A, p.Phe919Tyr (NM_001326358.2); c.3272T>A (NM_199355.2); short protein forms F1091Y, F919Y.
Identifiers: ClinVar variation 1376211 (VCV001376211.4), dbSNP rs764529831, ClinGen allele CA8180519.

ClinVar aggregate classification (germline): Uncertain significance. Review status: criteria provided, multiple submitters, no conflicts (2 of 4 stars). 2 submissions from 2 submitters: Uncertain significance (2). Last evaluated 2021-11-27.

Conditions:
Inborn genetic diseases. Identifiers: MedGen C0950123, MeSH D030342.

Allele frequency attached by ClinVar (database versions not stated): ExAC 0.00002; TOPMed below 0.00001; gnomAD exomes 0.00001.
gnomAD v4.1: 14 of 1,614,116 alleles (0.00087%); highest among the groups gnomAD compares: Non-Finnish European, 0.0012%; no homozygotes.

Submissions (2):

Labcorp Genetics (formerly Invitae), Labcorp
Classification: Uncertain significance. Last evaluated: 2021-11-27. Review status: criteria provided, single submitter. Criteria: Invitae Variant Classification Sherloc (09022015). Collection method: clinical testing. Allele origin: germline.
Comment: This sequence change replaces phenylalanine, which is neutral and non-polar, with tyrosine, which is neutral and polar, at codon 1091 of the ADAMTS18 protein (p.Phe1091Tyr). This variant is present in population databases (rs764529831, gnomAD 0.002%). This variant has not been reported in the literature in individuals affected with ADAMTS18-related conditions. Algorithms developed to predict the effect of missense changes on protein structure and function are either unavailable or do not agree on the potential impact of this missense change (SIFT: "Not Available"; PolyPhen-2: "Benign"; Align-GVGD: "Not Available"). In summary, the available evidence is currently insufficient to determine the role of this variant in disease. Therefore, it has been classified as a Variant of Uncertain Significance.

Ambry Genetics
Classification: Uncertain significance for Inborn genetic diseases. Last evaluated: 2021-07-20. Review status: criteria provided, single submitter. Criteria: Ambry Variant Classification Scheme 2023. Collection method: clinical testing. Allele origin: germline.